The following is an entry in ClinVar:

ClinVar aggregate classification (germline): Uncertain significance (1 of 4 stars; one submission).

Submission:

GeneDx
Classification: Uncertain significance. Last evaluated: 2024-08-14. Review status: criteria provided, single submitter. Criteria: GeneDx Variant Classification Process June 2021. Collection method: clinical testing. Allele origin: germline. Affected: yes.
Comment: Not observed at significant frequency in large population cohorts (gnomAD); In-frame deletion of 4 amino acids in a non-repeat region; In silico analysis indicates that this variant does not alter protein structure/function; Has not been previously published as pathogenic or benign to our knowledge

NM_002516.4(NOVA2):c.1121_1132del (p.370AGGG[1])

Gene: NOVA2 (NOVA alternative splicing regulator 2; minus strand). Cytogenetic location: 19q13.32.
Variant type: Deletion.
Coding change: c.1121_1132del on transcript NM_002516.4 (MANE Select); coding-DNA positions 1121 to 1132, 12 bases deleted (CGGGCGGAGGGG).
Protein change: p.370AGGG[1].
Genome position (GRCh38, 1-based): chr19:45,940,210-45,940,221, CCCCTCCGCCCG deleted on the plus strand (CGGGCGGAGGGG on the coding strand, the reverse complement: NOVA2 is on the minus strand); deleting any 12 consecutive bases within chr19:45,940,210-45,940,225 gives the same sequence; the c. name uses the placement nearest the transcript's 3' end. VCF-style (leftmost placement, unchanged base first): chr19-45940209-CCCCCTCCGCCCG-C. GRCh37 (hg19) VCF-style: chr19-46443467-CCCCCTCCGCCCG-C.
Identifiers: ClinVar variation 3731226 (VCV003731226.1).